The following is an entry in ClinVar:

ClinVar aggregate classification (germline): Likely benign (0 of 4 stars; one submission).

Conditions:
TMEM67-related disorder. Also called: TMEM67-related condition; TMEM67-related disorders. Identifiers: MedGen CN239423.

Submission:

PreventionGenetics, part of Exact Sciences
Classification: Likely benign for TMEM67-related condition. Last evaluated: 2020-10-20. Review status: no assertion criteria provided. Collection method: clinical testing. Allele origin: germline.
Comment: This variant is classified as likely benign based on ACMG/AMP sequence variant interpretation guidelines (Richards et al. 2015 PMID: 25741868, with internal and published modifications).

NM_153704.6(TMEM67):c.224-7_224-3del

Gene: TMEM67 (transmembrane protein 67; plus strand). Cytogenetic location: 8q22.1.
Variant type: Deletion.
Coding change: c.224-7_224-3del on transcript NM_153704.6 (MANE Select); 7 bases into the intron before coding-DNA position 224 through 3 bases into the intron before coding-DNA position 224, 5 bases deleted (TTTTT; older notation c.224-7_224-3delTTTTT).
Molecular consequence: intron variant.
Genome position (GRCh38, 1-based): chr8:93,755,771-93,755,775, TTTTT deleted; deleting any 5 consecutive bases within chr8:93,755,752-93,755,775 gives the same sequence; the c. name uses the placement nearest the transcript's 3' end. VCF-style (leftmost placement, unchanged base first): chr8-93755751-CTTTTT-C. GRCh37 (hg19) VCF-style: chr8-94767979-CTTTTT-C.
Other names: c.-62+634_-62+638del (NM_001142301.1).
Identifiers: ClinVar variation 3034484 (VCV003034484.2), dbSNP rs587779735, ClinGen allele CA857042154.